The following is an entry in ClinVar:

ClinVar aggregate classification (germline): Benign/Likely benign. Review status: criteria provided, multiple submitters, no conflicts (2 of 4 stars). 4 submissions from 4 submitters: Benign (1); Likely benign (3). Last evaluated 2026-02-01.

Conditions:
Emery-Dreifuss muscular dystrophy 4, autosomal dominant (EDMD4). Also called: EMERY-DREIFUSS MUSCULAR DYSTROPHY 4 WITH VARIABLE FEATURES. Identifiers: Orphanet 261, MedGen C2751807, MONDO:0013071, OMIM 612998.
Autosomal recessive ataxia, Beauce type. Also called: Spinocerebellar ataxia, autosomal recessive 8; ATAXIA, RECESSIVE, OF BEAUCE; SYNE1-Related Autosomal Recessive Cerebellar Ataxia; SYNE1 Deficiency. Identifiers: Orphanet 88644, MedGen C1853116, MONDO:0012549, OMIM 610743.
Arthrogryposis multiplex congenita 3, myogenic type. Also called: ARTHROGRYPOSIS MULTIPLEX CONGENITA, MYOGENIC TYPE. Identifiers: MedGen C5193121, MONDO:0032778, OMIM 618484.

Allele frequency attached by ClinVar (database versions not stated): gnomAD exomes 0.00103; ExAC 0.00124; gnomAD 0.00366 and 0.00395; TOPMed 0.00443; ESP Exome Variant Server 0.00454; 1000 Genomes Project 0.00479; 1000 Genomes Project 30x 0.00515.
gnomAD v4.1: 1,155 of 1,614,040 alleles (0.072%); highest among the groups gnomAD compares: African/African-American, 1.2%; 5 homozygotes.

Submissions (4):

Labcorp Genetics (formerly Invitae), Labcorp
Classification: Benign for Emery-Dreifuss muscular dystrophy 4, autosomal dominant; Autosomal recessive ataxia, Beauce type. Last evaluated: 2026-02-01. Review status: criteria provided, single submitter. Criteria: Invitae Variant Classification Sherloc (09022015). Collection method: clinical testing. Allele origin: germline.

Blueprint Genetics
Classification: Likely benign. Last evaluated: 2024-10-22. Review status: criteria provided, single submitter. Criteria: ACMG Guidelines, 2015. Collection method: clinical testing. Allele origin: germline.

Fulgent Genetics
Classification: Likely benign for Autosomal recessive ataxia, Beauce type; Emery-Dreifuss muscular dystrophy 4, autosomal dominant; Arthrogryposis multiplex congenita 3, myogenic type. Last evaluated: 2022-01-21. Review status: criteria provided, single submitter. Criteria: ACMG Guidelines, 2015. Collection method: clinical testing. Allele origin: unknown.

GeneDx
Classification: Likely benign. Last evaluated: 2018-02-12. Review status: criteria provided, single submitter. Criteria: GeneDx Variant Classification (06012015). Collection method: clinical testing. Allele origin: germline. Affected: yes.
Comment: This variant is considered likely benign or benign based on one or more of the following criteria: it is a conservative change, it occurs at a poorly conserved position in the protein, it is predicted to be benign by multiple in silico algorithms, and/or has population frequency not consistent with disease.

NM_182961.4(SYNE1):c.20199+16C>T

Gene: SYNE1 (spectrin repeat containing nuclear envelope protein 1; minus strand). Cytogenetic location: 6q25.2.
Variant type: single nucleotide variant.
Coding change: c.20199+16C>T on transcript NM_182961.4 (MANE Select); 16 bases into the intron after coding-DNA position 20199, C replaced by T.
Molecular consequence: intron variant.
Genome position (GRCh38, 1-based): chr6:152,236,801, G>A on the plus strand (C>T on the coding strand, the complement: SYNE1 is on the minus strand). VCF-style: chr6-152236801-G-A. GRCh37 (hg19) VCF-style: chr6-152557936-G-A.
Other names: c.19986+16C>T (NM_033071.5).
Identifiers: ClinVar variation 508901 (VCV000508901.11), dbSNP rs114739771, ClinGen allele CA4054475.
Genomic context (GRCh38, chr6:152,236,801, plus strand): 5'-GATCACAAGTTTGTTTACATTCTGTTAAAACTATTGGTAAGTTTCTAAAGGCAATGTGGC[G>A]GCTTGTAACACCAACCTGGTAGAGTGTTATGCGGTCAATAAGCCTGTCCTCGTTCTCCTC-3'